The following is an entry in ClinVar:

ClinVar aggregate classification (germline): Conflicting classifications of pathogenicity. Review status: criteria provided, conflicting classifications (1 of 4 stars). 6 submissions from 6 submitters: Uncertain significance (3); Likely benign (3). Last evaluated 2026-09-01.

Conditions:
PYROXD1-related disorder. Also called: PYROXD1-related condition.
Inborn genetic diseases. Identifiers: MedGen C0950123, MeSH D030342.
Myofibrillar myopathy 8. Identifiers: MedGen C4310645, MONDO:0014993, OMIM 617258.

Allele frequency attached by ClinVar (database versions not stated): 1000 Genomes Project 0.00020; 1000 Genomes Project 30x 0.00047; ExAC 0.00077; gnomAD exomes 0.00086; gnomAD 0.00123 and 0.00129; TOPMed 0.00123; ESP Exome Variant Server 0.00185.
gnomAD v4.1: 3,106 of 1,613,204 alleles (0.19%); highest among the groups gnomAD compares: Non-Finnish European, 0.25%; 9 homozygotes.

Submissions (6):

CeGaT Center for Human Genetics Tuebingen
Classification: Likely benign. Last evaluated: 2026-09-01. Review status: criteria provided, single submitter. Criteria: CeGaT Center For Human Genetics Tuebingen Variant Classification Criteria Version 2. Collection method: clinical testing. Allele origin: germline. Affected: yes. Observed: 2 variant alleles.
Comment: PYROXD1: BP4, BS2

PreventionGenetics, part of Exact Sciences
Classification: Likely benign for PYROXD1-related condition. Last evaluated: 2025-02-10. Review status: criteria provided, single submitter. Criteria: ACMG Guidelines, 2015. Collection method: clinical testing. Allele origin: germline.
Comment: This variant is classified as likely benign based on ACMG/AMP sequence variant interpretation guidelines (Richards et al. 2015 PMID: 25741868, with internal and published modifications).

Blueprint Genetics
Classification: Uncertain significance. Last evaluated: 2024-10-25. Review status: criteria provided, single submitter. Criteria: ACMG Guidelines, 2015. Collection method: clinical testing. Allele origin: germline.

Labcorp Genetics (formerly Invitae), Labcorp
Classification: Uncertain significance. Last evaluated: 2022-11-01. Review status: criteria provided, single submitter. Criteria: Invitae Variant Classification Sherloc (09022015). Collection method: clinical testing. Allele origin: germline.
Comment: This sequence change replaces cysteine, which is neutral and slightly polar, with tyrosine, which is neutral and polar, at codon 122 of the PYROXD1 protein (p.Cys122Tyr). This variant is present in population databases (rs140460108, gnomAD 0.2%), and has an allele count higher than expected for a pathogenic variant. This variant has not been reported in the literature in individuals affected with PYROXD1-related conditions. ClinVar contains an entry for this variant (Variation ID: 1327287). Advanced modeling of protein sequence and biophysical properties (such as structural, functional, and spatial information, amino acid conservation, physicochemical variation, residue mobility, and thermodynamic stability) performed at Invitae indicates that this missense variant is not expected to disrupt PYROXD1 protein function. In summary, the available evidence is currently insufficient to determine the role of this variant in disease. Therefore, it has been classified as a Variant of Uncertain Significance.

Ambry Genetics
Classification: Uncertain significance for Inborn genetic diseases. Last evaluated: 2021-10-06. Review status: criteria provided, single submitter. Criteria: Ambry Variant Classification Scheme 2023. Collection method: clinical testing. Allele origin: germline.

GeneDx
Classification: Likely benign. Last evaluated: 2021-05-05. Review status: criteria provided, single submitter. Criteria: GeneDx Variant Classification Process June 2021. Collection method: clinical testing. Allele origin: germline. Affected: yes.

NM_024854.5(PYROXD1):c.365G>A (p.Cys122Tyr)

Gene: PYROXD1 (pyridine nucleotide-disulphide oxidoreductase domain 1; plus strand). Cytogenetic location: 12p12.1.
Variant type: single nucleotide variant.
Coding change: c.365G>A on transcript NM_024854.5 (MANE Select); coding-DNA position 365, G replaced by A.
Protein change: p.Cys122Tyr; replaces cysteine 122 with tyrosine.
Molecular consequence: missense variant. On other transcripts: 5 prime UTR variant (1).
Genome position (GRCh38, 1-based): chr12:21,449,642, G>A. VCF-style: chr12-21449642-G-A. GRCh37 (hg19) VCF-style: chr12-21602576-G-A.
Other names: c.152G>A, p.Cys51Tyr (NM_001350912.2); c.-339G>A (NM_001350913.2); short protein forms C122Y, C51Y.
Identifiers: ClinVar variation 1327287 (VCV001327287.21), dbSNP rs140460108, ClinGen allele CA6478183.
Genomic context (GRCh38, chr12:21,449,642, plus strand): 5'-GCAATCAGCACGTATATAAGAAACTCTGTCTGTGTGCTGGAGCTAAACCAAAGTTGATAT[G>A]TGAAGGAAATCCTTATGTATTAGGAATCCGTGATACAGACAGTGCTCAGGTAACATTTTA-3'
Protein context (NP_079130.2, residues 112-132): LCAGAKPKLI[Cys122Tyr]EGNPYVLGIR